The following is an entry in ClinVar:

ClinVar aggregate classification (germline): Uncertain significance (1 of 4 stars; one submission).

Conditions:
Jeune thoracic dystrophy. Also called: Short-rib thoracic dysplasia; Jeune syndrome; Infantile thoracic dystrophy; Thoracic pelvic phalangeal dystrophy; Jeune's syndrome; Chondroectodermal dysplasia-like syndrome. Identifiers: Orphanet 474, MedGen C0265275, MONDO:0018770.

Submission:

Labcorp Genetics (formerly Invitae), Labcorp
Classification: Uncertain significance for Jeune thoracic dystrophy. Last evaluated: 2023-07-07. Review status: criteria provided, single submitter. Criteria: Invitae Variant Classification Sherloc (09022015). Collection method: clinical testing. Allele origin: germline.
Comment: Advanced modeling of protein sequence and biophysical properties (such as structural, functional, and spatial information, amino acid conservation, physicochemical variation, residue mobility, and thermodynamic stability) performed at Invitae indicates that this missense variant is not expected to disrupt DYNC2H1 protein function. This sequence change replaces threonine, which is neutral and polar, with isoleucine, which is neutral and non-polar, at codon 2171 of the DYNC2H1 protein (p.Thr2171Ile). This variant is not present in population databases (gnomAD no frequency). This variant has not been reported in the literature in individuals affected with DYNC2H1-related conditions. ClinVar contains an entry for this variant (Variation ID: 2012364). In summary, the available evidence is currently insufficient to determine the role of this variant in disease. Therefore, it has been classified as a Variant of Uncertain Significance.

NM_001377.3(DYNC2H1):c.6512C>T (p.Thr2171Ile)

Gene: DYNC2H1 (dynein cytoplasmic 2 heavy chain 1; plus strand). Cytogenetic location: 11q22.3.
Variant type: single nucleotide variant.
Coding change: c.6512C>T on transcript NM_001377.3 (MANE Select); coding-DNA position 6512, C replaced by T.
Protein change: p.Thr2171Ile; replaces threonine 2171 with isoleucine.
Molecular consequence: missense variant.
Genome position (GRCh38, 1-based): chr11:103,184,930, C>T. VCF-style: chr11-103184930-C-T. GRCh37 (hg19) VCF-style: chr11-103055659-C-T.
Other names: c.6512C>T, p.Thr2171Ile (NM_001080463.2); short protein forms T2171I.
Identifiers: ClinVar variation 2012364 (VCV002012364.4), dbSNP rs2496272644, ClinGen allele CA382248873.
Genomic context (GRCh38, chr11:103,184,930, plus strand): 5'-TTTGTATCACGGATTTTAATCAACAGAATGACTATGTGGTAGAAACAAGTTTGGTTGGGA[C>T]TGTGATGAATGGTTTGTCACATCTACATGGTTGCAGAGATCATGACGAATTCATTATTAA-3'
Protein context (NP_001368.2, residues 2161-2181): DYVVETSLVG[Thr2171Ile]VMNGLSHLHG